The following is an entry in ClinVar:

ClinVar aggregate classification (germline): Conflicting classifications of pathogenicity. Review status: criteria provided, conflicting classifications (1 of 4 stars). 3 submissions from 3 submitters: Uncertain significance (2); Likely benign (1). Last evaluated 2024-06-03.

Conditions:
Oligodontia-cancer predisposition syndrome. Also called: TOOTH AGENESIS-COLORECTAL CANCER SYNDROME. Identifiers: Orphanet 300576, MedGen C1837750, MONDO:0012075, OMIM 608615. Disease mechanism: loss of function.
Hereditary cancer-predisposing syndrome. Also called: Hereditary neoplastic syndrome; Tumor predisposition; Neoplastic Syndromes, Hereditary; Hereditary Cancer Syndrome. Identifiers: Orphanet 140162, MedGen C0027672, MeSH D009386, MONDO:0015356.

Allele frequency attached by ClinVar (database versions not stated): TOPMed 0.00001.

Submissions (3):

Labcorp Genetics (formerly Invitae), Labcorp
Classification: Uncertain significance for Oligodontia-cancer predisposition syndrome. Last evaluated: 2024-06-03. Review status: criteria provided, single submitter. Criteria: Invitae Variant Classification Sherloc (09022015). Collection method: clinical testing. Allele origin: germline.
Comment: This sequence change replaces glycine, which is neutral and non-polar, with aspartic acid, which is acidic and polar, at codon 160 of the AXIN2 protein (p.Gly160Asp). This variant is not present in population databases (gnomAD no frequency). This variant has not been reported in the literature in individuals affected with AXIN2-related conditions. ClinVar contains an entry for this variant (Variation ID: 657421). Advanced modeling of protein sequence and biophysical properties (such as structural, functional, and spatial information, amino acid conservation, physicochemical variation, residue mobility, and thermodynamic stability) performed at Invitae indicates that this missense variant is not expected to disrupt AXIN2 protein function with a negative predictive value of 80%. In summary, the available evidence is currently insufficient to determine the role of this variant in disease. Therefore, it has been classified as a Variant of Uncertain Significance.

Ambry Genetics
Classification: Likely benign for Hereditary cancer-predisposing syndrome. Last evaluated: 2024-01-24. Review status: criteria provided, single submitter. Criteria: Ambry Variant Classification Scheme 2023. Collection method: clinical testing. Allele origin: germline.

GeneDx
Classification: Uncertain significance. Last evaluated: 2023-10-31. Review status: criteria provided, single submitter. Criteria: GeneDx Variant Classification Process June 2021. Collection method: clinical testing. Allele origin: germline. Affected: yes.
Comment: Not observed at significant frequency in large population cohorts (gnomAD); In silico analysis supports that this missense variant does not alter protein structure/function; Identified in an individual with breast cancer (PMID: 32091409); This variant is associated with the following publications: (PMID: 32091409)

NM_004655.4(AXIN2):c.479G>A (p.Gly160Asp)

Gene: AXIN2 (axin 2; minus strand). Cytogenetic location: 17q24.1.
Variant type: single nucleotide variant.
Coding change: c.479G>A on transcript NM_004655.4 (MANE Select); coding-DNA position 479, G replaced by A.
Protein change: p.Gly160Asp; replaces glycine 160 with aspartic acid.
Molecular consequence: missense variant.
Genome position (GRCh38, 1-based): chr17:65,558,142, C>T on the plus strand (G>A on the coding strand, the complement: AXIN2 is on the minus strand). VCF-style: chr17-65558142-C-T. GRCh37 (hg19) VCF-style: chr17-63554260-C-T.
Other names: c.479G>A (LRG_296t1); c.479G>A, p.Gly160Asp (NM_001363813.1); short protein forms G160D.
Identifiers: ClinVar variation 657421 (VCV000657421.10), dbSNP rs1162424416, ClinGen allele CA400681243.